The following is an entry in ClinVar:

NM_020184.4(CNNM4):c.91T>C (p.Trp31Arg)

Gene: CNNM4 (cyclin and CBS domain divalent metal cation transport mediator 4; plus strand). Cytogenetic location: 2q11.2.
Variant type: single nucleotide variant.
Coding change: c.91T>C on transcript NM_020184.4 (MANE Select); coding-DNA position 91, T replaced by C.
Protein change: p.Trp31Arg; replaces tryptophan 31 with arginine.
Molecular consequence: missense variant.
Genome position (GRCh38, 1-based): chr2:96,761,090, T>C. VCF-style: chr2-96761090-T-C. GRCh37 (hg19) VCF-style: chr2-97426827-T-C.
Other names: short protein forms W31R.
Identifiers: ClinVar variation 288785 (VCV000288785.17), dbSNP rs760633483, ClinGen allele CA1783154.

ClinVar aggregate classification (germline): Conflicting classifications of pathogenicity. Review status: criteria provided, conflicting classifications (1 of 4 stars). 7 submissions from 7 submitters: Uncertain significance (4); Likely benign (1). 2 of the submissions do not count toward it. Last evaluated 2024-11-06.

Conditions:
CNNM4-related disorder. Also called: CNNM4-related condition.
Retinal dystrophy. Also called: Inherited retinal dystrophy. Identifiers: Orphanet 71862, MedGen C0854723, MeSH D058499, MONDO:0019118, HP:0000556.
Jalili syndrome. Also called: CONE-ROD DYSTROPHY AND AMELOGENESIS IMPERFECTA. Identifiers: Orphanet 1873, MedGen C3495589, MONDO:0009007, OMIM 217080.
Inborn genetic diseases. Identifiers: MedGen C0950123, MeSH D030342.

Allele frequency attached by ClinVar (database versions not stated): TOPMed 0.00014; gnomAD exomes 0.00015; gnomAD 0.00016 and 0.00017; ExAC 0.00047.

Submissions (7):

Blueprint Genetics
Classification: Likely benign. Last evaluated: 2024-11-06. Review status: criteria provided, single submitter. Criteria: ACMG Guidelines, 2015. Collection method: clinical testing. Allele origin: germline.

Labcorp Genetics (formerly Invitae), Labcorp
Classification: Uncertain significance. Last evaluated: 2022-10-17. Review status: criteria provided, single submitter. Criteria: Invitae Variant Classification Sherloc (09022015). Collection method: clinical testing. Allele origin: germline.
Comment: This sequence change replaces tryptophan, which is neutral and slightly polar, with arginine, which is basic and polar, at codon 31 of the CNNM4 protein (p.Trp31Arg). This variant is present in population databases (rs760633483, gnomAD 0.03%). This variant has not been reported in the literature in individuals affected with CNNM4-related conditions. ClinVar contains an entry for this variant (Variation ID: 288785). Algorithms developed to predict the effect of missense changes on protein structure and function (SIFT, PolyPhen-2, Align-GVGD) all suggest that this variant is likely to be tolerated. In summary, the available evidence is currently insufficient to determine the role of this variant in disease. Therefore, it has been classified as a Variant of Uncertain Significance.

Ambry Genetics
Classification: Uncertain significance for Inborn genetic diseases. Last evaluated: 2021-06-11. Review status: criteria provided, single submitter. Criteria: Ambry Variant Classification Scheme 2023. Collection method: clinical testing. Allele origin: germline.

Illumina Laboratory Services, Illumina
Classification: Uncertain significance for Jalili syndrome. Last evaluated: 2018-01-13. Review status: criteria provided, single submitter. Criteria: ICSL Variant Classification Criteria 13 December 2019. Collection method: clinical testing. Allele origin: germline.

Eurofins Ntd Llc (ga)
Classification: Uncertain significance. Last evaluated: 2016-07-12. Review status: criteria provided, single submitter. Criteria: EGL Classification Definitions 2015. Collection method: clinical testing. Allele origin: germline. Observed: 1 variant allele, 1 heterozygote.

PreventionGenetics, part of Exact Sciences
Classification: Uncertain significance for CNNM4-related condition. Last evaluated: 2024-09-15. Review status: no assertion criteria provided. Collection method: clinical testing. Allele origin: germline. Not counted in ClinVar's aggregate classification.
Comment: The CNNM4 c.91T>C variant is predicted to result in the amino acid substitution p.Trp31Arg. To our knowledge, this variant has not been reported in the literature. This variant is reported in 0.029% of alleles in individuals of European (Non-Finnish) descent in gnomAD. At this time, the clinical significance of this variant is uncertain due to the absence of conclusive functional and genetic evidence.

Institute of Human Genetics, Univ. Regensburg, Univ. Regensburg
Classification: Uncertain significance for Retinal dystrophy. Last evaluated: 2023-01-01. Review status: no assertion criteria provided. Criteria: ACMG Guidelines, 2015. Collection method: clinical testing. Allele origin: germline. Affected: yes. Not counted in ClinVar's aggregate classification.